The following is an entry in ClinVar:

NM_001394062.1(MACF1):c.17251G>A (p.Asp5751Asn)

Gene: MACF1 (microtubule actin crosslinking factor 1; plus strand). Cytogenetic location: 1p34.3.
Variant type: single nucleotide variant.
Coding change: c.17251G>A on transcript NM_001394062.1 (MANE Select); coding-DNA position 17251, G replaced by A.
Protein change: p.Asp5751Asn; replaces aspartic acid 5751 with asparagine.
Molecular consequence: missense variant.
Genome position (GRCh38, 1-based): chr1:39,430,822, G>A. VCF-style: chr1-39430822-G-A. GRCh37 (hg19) VCF-style: chr1-39896494-G-A.
Other names: c.5320G>A, p.Asp1774Asn (NM_001397473.1); c.11065G>A, p.Asp3689Asn (NM_012090.5); short protein forms D1774N, D3689N, D5751N.
Identifiers: ClinVar variation 2873418 (VCV002873418.3), dbSNP rs769572537, ClinGen allele CA783551.
Genomic context (GRCh38, chr1:39,430,822, plus strand): 5'-CGTGCTCTCTTAGAGCTGGTGCCCTGGAGAGCCAGAGAAGGGCTGGATAAACTTGTGTCC[G>A]ATGCTAACGAGCAGTACAAACTAGTCAGTGACACTATTGGACAAAGGGTGGATGAAATTG-3'
Protein context (NP_001380991.1, residues 5741-5761): AREGLDKLVS[Asp5751Asn]ANEQYKLVSD

ClinVar aggregate classification (germline): Uncertain significance (1 of 4 stars; one submission).

Allele frequency attached by ClinVar (database versions not stated): TOPMed below 0.00001; gnomAD 0.00001; ExAC 0.00002; gnomAD exomes 0.00002.
gnomAD v4.1: 27 of 1,612,604 alleles (0.0017%); highest among the groups gnomAD compares: Admixed American, 0.0033%; no homozygotes.

Submission:

Labcorp Genetics (formerly Invitae), Labcorp
Classification: Uncertain significance. Last evaluated: 2023-06-20. Review status: criteria provided, single submitter. Criteria: Invitae Variant Classification Sherloc (09022015). Collection method: clinical testing. Allele origin: germline.
Comment: In summary, the available evidence is currently insufficient to determine the role of this variant in disease. Therefore, it has been classified as a Variant of Uncertain Significance. An algorithm developed to predict the effect of missense changes on protein structure and function (PolyPhen-2) suggests that this variant is likely to be disruptive. This variant has not been reported in the literature in individuals affected with MACF1-related conditions. This variant is present in population databases (rs769572537, gnomAD 0.003%). This sequence change replaces aspartic acid, which is acidic and polar, with asparagine, which is neutral and polar, at codon 3689 of the MACF1 protein (p.Asp3689Asn).